The following is an entry in ClinVar:

NM_002334.4(LRP4):c.1698-9_1698-5del

Gene: LRP4 (LDL receptor related protein 4; minus strand). Cytogenetic location: 11p11.2.
Variant type: Deletion.
Coding change: c.1698-9_1698-5del on transcript NM_002334.4 (MANE Select); 9 bases into the intron before coding-DNA position 1698 through 5 bases into the intron before coding-DNA position 1698, 5 bases deleted (TCTTC; older notation c.1698-9_1698-5delTCTTC).
Molecular consequence: intron variant.
Genome position (GRCh38, 1-based): chr11:46,890,499-46,890,503, GAAGA deleted on the plus strand (TCTTC on the coding strand, the reverse complement: LRP4 is on the minus strand); deleting any 5 consecutive bases within chr11:46,890,499-46,890,506 gives the same sequence; the c. name uses the placement nearest the transcript's 3' end. VCF-style (leftmost placement, unchanged base first): chr11-46890498-GGAAGA-G. GRCh37 (hg19) VCF-style: chr11-46912049-GGAAGA-G.
Identifiers: ClinVar variation 957026 (VCV000957026.9), dbSNP rs1941399170, ClinGen allele CA1139661923.
Genomic context (GRCh38, chr11:46,890,498, plus strand): 5'-TCCATGCTGGAGGCCTCAATACGGGGGGTGTTGCCCCAGTCTGTCCAGTAAATGGTACTA[GGAAGA>G]GAAAAGTAAATTGGGAAGTGGGCAGCAGAAAACAGGTAGGTAACCAGGAGAATAATCAGG-3'

ClinVar aggregate classification (germline): Uncertain significance (1 of 4 stars; one submission).

Conditions:
Sclerosteosis 2 (SOST2). Identifiers: Orphanet 3152, MedGen C3280402, MONDO:0013679, OMIM 614305.
Cenani-Lenz syndactyly syndrome. Also called: SYNDACTYLY, TYPE VII; CENANI SYNDACTYLISM. Identifiers: Orphanet 3258, MedGen C1859309, MONDO:0008931, OMIM 212780.
Congenital myasthenic syndrome 17. Identifiers: Orphanet 590, MedGen C4225377, MONDO:0014578, OMIM 616304.

Submission:

Labcorp Genetics (formerly Invitae), Labcorp
Classification: Uncertain significance for Cenani-Lenz syndactyly syndrome; Sclerosteosis 2; Congenital myasthenic syndrome 17. Last evaluated: 2022-09-13. Review status: criteria provided, single submitter. Criteria: Invitae Variant Classification Sherloc (09022015). Collection method: clinical testing. Allele origin: germline.
Comment: This sequence change falls in intron 13 of the LRP4 gene. It does not directly change the encoded amino acid sequence of the LRP4 protein. In summary, the available evidence is currently insufficient to determine the role of this variant in disease. Therefore, it has been classified as a Variant of Uncertain Significance. Algorithms developed to predict the effect of sequence changes on RNA splicing suggest that this variant may create or strengthen a splice site. ClinVar contains an entry for this variant (Variation ID: 957026). This variant has not been reported in the literature in individuals affected with LRP4-related conditions. This variant is not present in population databases (gnomAD no frequency).